The following is an entry in ClinVar:

NM_144997.7(FLCN):c.838G>A (p.Glu280Lys)

Gene: FLCN (folliculin; minus strand). Cytogenetic location: 17p11.2.
Variant type: single nucleotide variant.
Coding change: c.838G>A on transcript NM_144997.7 (MANE Select); coding-DNA position 838, G replaced by A.
Protein change: p.Glu280Lys; replaces glutamic acid 280 with lysine.
Molecular consequence: missense variant.
Genome position (GRCh38, 1-based): chr17:17,221,570, C>T on the plus strand (G>A on the coding strand, the complement: FLCN is on the minus strand). VCF-style: chr17-17221570-C-T. GRCh37 (hg19) VCF-style: chr17-17124884-C-T.
Other names: c.838G>A (LRG_325t1); c.892G>A, p.Glu298Lys (NM_001353229.2); c.838G>A, p.Glu280Lys (NM_001353230.2, NM_001353231.2, NM_144606.7); short protein forms E280K, E298K.
Identifiers: ClinVar variation 409377 (VCV000409377.10), dbSNP rs1060502367, ClinGen allele CA16615520.
Genomic context (GRCh38, chr17:17,221,570, plus strand): 5'-GCCCCGGCAACAGCACCCCTGCCTCACCAGCGAGCTTCTCCATCTGGACCAAGGTATCCT[C>T]GGTCGGAGCACCTTCCAGGAGCTTCTCGGTCAGCCGGCTGCCACACGCCTTCAGGAGCCT-3'
Protein context (NP_659434.2, residues 270-290): TEKLLEGAPT[Glu280Lys]DTLVQMEKLA

ClinVar aggregate classification (germline): Uncertain significance. Review status: criteria provided, multiple submitters, no conflicts (2 of 4 stars). 3 submissions from 3 submitters: Uncertain significance (3). Last evaluated 2026-01-11.

Conditions:
Hereditary cancer-predisposing syndrome. Also called: Hereditary neoplastic syndrome; Neoplastic Syndromes, Hereditary; Tumor predisposition; Hereditary Cancer Syndrome. Identifiers: Orphanet 140162, MedGen C0027672, MeSH D009386, MONDO:0015356.
Birt-Hogg-Dube syndrome. Also called: Birt Hogg Dubé syndrome. Identifiers: Orphanet 122, MedGen C0346010, MONDO:0800444.
Birt-Hogg-Dube syndrome 1 (BHD1). Also called: FIBROFOLLICULOMAS WITH TRICHODISCOMAS AND ACROCHORDONS. Identifiers: Orphanet 122, MedGen CN375946, MONDO:0800445, OMIM 135150.

Allele frequency attached by ClinVar (database versions not stated): gnomAD exomes below 0.00001; TOPMed below 0.00001; gnomAD 0.00001.
gnomAD v4.1: 5 of 1,612,050 alleles (0.00031%); highest among the groups gnomAD compares: South Asian, 0.0011%; no homozygotes.

Submissions (3):

Labcorp Genetics (formerly Invitae), Labcorp
Classification: Uncertain significance for Birt-Hogg-Dube syndrome. Last evaluated: 2026-01-11. Review status: criteria provided, single submitter. Criteria: Invitae Variant Classification Sherloc (09022015). Collection method: clinical testing. Allele origin: germline.
Comment: This sequence change replaces glutamic acid, which is acidic and polar, with lysine, which is basic and polar, at codon 280 of the FLCN protein (p.Glu280Lys). The frequency data for this variant in the population databases is considered unreliable, as metrics indicate poor data quality at this position in the gnomAD database. This variant has not been reported in the literature in individuals affected with FLCN-related conditions. ClinVar contains an entry for this variant (Variation ID: 409377). Invitae Evidence Modeling of protein sequence and biophysical properties (such as structural, functional, and spatial information, amino acid conservation, physicochemical variation, residue mobility, and thermodynamic stability) has been performed for this missense variant. However, the output from this modeling did not meet the statistical confidence thresholds required to predict the impact of this variant on FLCN protein function. In summary, the available evidence is currently insufficient to determine the role of this variant in disease. Therefore, it has been classified as a Variant of Uncertain Significance.

Baylor Genetics
Classification: Uncertain significance for Birt-Hogg-Dube syndrome 1. Last evaluated: 2023-11-16. Review status: criteria provided, single submitter. Criteria: ACMG Guidelines, 2015. Collection method: clinical testing. Allele origin: unknown.

Ambry Genetics
Classification: Uncertain significance for Hereditary cancer-predisposing syndrome. Last evaluated: 2023-11-13. Review status: criteria provided, single submitter. Criteria: Ambry Variant Classification Scheme 2023. Collection method: clinical testing. Allele origin: germline.
Comment: The p.E280K variant (also known as c.838G>A), located in coding exon 5 of the FLCN gene, results from a G to A substitution at nucleotide position 838. The glutamic acid at codon 280 is replaced by lysine, an amino acid with similar properties. This amino acid position is highly conserved in available vertebrate species. In addition, the in silico prediction for this alteration is inconclusive. Since supporting evidence is limited at this time, the clinical significance of this alteration remains unclear.